The following is an entry in ClinVar:

ClinVar aggregate classification (germline): Uncertain significance. Review status: criteria provided, multiple submitters, no conflicts (2 of 4 stars). 2 submissions from 2 submitters: Uncertain significance (2). Last evaluated 2024-03-06.

Conditions:
Endometrial carcinoma. Also called: Endometrial carcinoma, somatic. Identifiers: MedGen C0476089, MONDO:0002447, OMIM 608089, HP:0012114.

Submissions (2):

Baylor Genetics
Classification: Uncertain significance for Endometrial carcinoma. Last evaluated: 2024-03-06. Review status: criteria provided, single submitter. Criteria: ACMG Guidelines, 2015. Collection method: clinical testing. Allele origin: unknown.

Labcorp Genetics (formerly Invitae), Labcorp
Classification: Uncertain significance. Last evaluated: 2023-10-04. Review status: criteria provided, single submitter. Criteria: Invitae Variant Classification Sherloc (09022015). Collection method: clinical testing. Allele origin: germline.
Comment: This sequence change replaces isoleucine, which is neutral and non-polar, with methionine, which is neutral and non-polar, at codon 655 of the MSH3 protein (p.Ile655Met). This variant is not present in population databases (gnomAD no frequency). This variant has not been reported in the literature in individuals affected with MSH3-related conditions. An algorithm developed to predict the effect of missense changes on protein structure and function (PolyPhen-2) suggests that this variant is likely to be tolerated. In summary, the available evidence is currently insufficient to determine the role of this variant in disease. Therefore, it has been classified as a Variant of Uncertain Significance.

NM_002439.5(MSH3):c.1965A>G (p.Ile655Met)

Gene: MSH3 (mutS homolog 3; plus strand). Cytogenetic location: 5q14.1.
Variant type: single nucleotide variant.
Coding change: c.1965A>G on transcript NM_002439.5 (MANE Select); coding-DNA position 1965, A replaced by G.
Protein change: p.Ile655Met; replaces isoleucine 655 with methionine.
Molecular consequence: missense variant.
Genome position (GRCh38, 1-based): chr5:80,768,001, A>G. VCF-style: chr5-80768001-A-G. GRCh37 (hg19) VCF-style: chr5-80063820-A-G.
Other names: short protein forms I655M.
Identifiers: ClinVar variation 2808193 (VCV002808193.4), dbSNP rs1744151242, ClinGen allele CA360277583.